The following is an entry in ClinVar:

ClinVar aggregate classification (germline): Uncertain significance (1 of 4 stars; one submission).

Submission:

GeneDx
Classification: Uncertain significance. Last evaluated: 2026-03-07. Review status: criteria provided, single submitter. Criteria: GeneDx Variant Classification Process June 2021. Collection method: clinical testing. Allele origin: germline.
Comment: Not observed at significant frequency in large population cohorts (gnomAD); In silico analysis supports that this missense variant has a deleterious effect on protein structure/function; Has not been previously published as pathogenic or benign to our knowledge

NM_001005273.3(CHD3):c.4475T>C (p.Ile1492Thr)

Gene: CHD3 (chromodomain helicase DNA binding protein 3; plus strand). Cytogenetic location: 17p13.1.
Variant type: single nucleotide variant.
Coding change: c.4475T>C on transcript NM_001005273.3 (MANE Select); coding-DNA position 4475, T replaced by C.
Protein change: p.Ile1492Thr; replaces isoleucine 1492 with threonine.
Molecular consequence: missense variant.
Genome position (GRCh38, 1-based): chr17:7,906,669, T>C. VCF-style: chr17-7906669-T-C. GRCh37 (hg19) VCF-style: chr17-7809987-T-C.
Other names: c.4652T>C, p.Ile1551Thr (NM_001005271.3); c.4475T>C, p.Ile1492Thr (NM_005852.4); short protein forms I1492T, I1551T.
Identifiers: ClinVar variation 2428847 (VCV002428847.4), dbSNP rs1446965626, ClinGen allele CA397946332.